The following is an entry in ClinVar:

ClinVar aggregate classification (germline): Conflicting classifications of pathogenicity. Review status: criteria provided, conflicting classifications (1 of 4 stars). 2 submissions from 2 submitters: Uncertain significance (1); Likely benign (1). Last evaluated 2026-01-26.

Allele frequency attached by ClinVar (database versions not stated): TOPMed 0.00009; gnomAD 0.00010 and 0.00011; gnomAD exomes 0.00012 and 0.00013; ExAC 0.00013; 1000 Genomes Project 30x 0.00016; 1000 Genomes Project 0.00020.
gnomAD v4.1: 178 of 1,588,316 alleles (0.011%); highest among the groups gnomAD compares: Middle Eastern, 0.017%; no homozygotes.

Submissions (2):

Labcorp Genetics (formerly Invitae), Labcorp
Classification: Uncertain significance. Last evaluated: 2026-01-26. Review status: criteria provided, single submitter. Criteria: Invitae Variant Classification Sherloc (09022015). Collection method: clinical testing. Allele origin: germline.
Comment: This sequence change falls in intron 3 of the C7 gene. It does not directly change the encoded amino acid sequence of the C7 protein. It affects a nucleotide within the consensus splice site. This variant is present in population databases (rs535706268, gnomAD 0.03%). This variant has not been reported in the literature in individuals affected with C7-related conditions. ClinVar contains an entry for this variant (Variation ID: 1386649). Variants that disrupt the consensus splice site are a relatively common cause of aberrant splicing (PMID: 17576681, 9536098). Algorithms developed to predict the effect of sequence changes on RNA splicing suggest that this variant is not likely to affect RNA splicing. In summary, the available evidence is currently insufficient to determine the role of this variant in disease. Therefore, it has been classified as a Variant of Uncertain Significance.

Blueprint Genetics
Classification: Likely benign. Last evaluated: 2024-11-13. Review status: criteria provided, single submitter. Criteria: ACMG Guidelines, 2015. Collection method: clinical testing. Allele origin: germline.

Literature cited by the submitters: PubMed 17576681 (cited by Labcorp Genetics (formerly Invitae), Labcorp); PubMed 9536098 (cited by Labcorp Genetics (formerly Invitae), Labcorp).

NM_000587.4(C7):c.139-3T>C

Gene: C7 (complement C7; plus strand). Cytogenetic location: 5p13.1.
Variant type: single nucleotide variant.
Coding change: c.139-3T>C on transcript NM_000587.4 (MANE Select); 3 bases into the intron before coding-DNA position 139, T replaced by C.
Molecular consequence: intron variant.
Genome position (GRCh38, 1-based): chr5:40,934,322, T>C. VCF-style: chr5-40934322-T-C. GRCh37 (hg19) VCF-style: chr5-40934424-T-C.
Identifiers: ClinVar variation 1386649 (VCV001386649.5), dbSNP rs535706268, ClinGen allele CA3249543.